The following is an entry in ClinVar:

NM_014991.6(WDFY3):c.7222T>A (p.Ser2408Thr)

Gene: WDFY3 (WD repeat and FYVE domain containing 3; minus strand). Cytogenetic location: 4q21.23.
Variant type: single nucleotide variant.
Coding change: c.7222T>A on transcript NM_014991.6 (MANE Select); coding-DNA position 7222, T replaced by A.
Protein change: p.Ser2408Thr; replaces serine 2408 with threonine.
Molecular consequence: missense variant.
Genome position (GRCh38, 1-based): chr4:84,726,911, A>T on the plus strand (T>A on the coding strand, the complement: WDFY3 is on the minus strand). VCF-style: chr4-84726911-A-T. GRCh37 (hg19) VCF-style: chr4-85648064-A-T.
Other names: short protein forms S2408T.
Identifiers: ClinVar variation 1314203 (VCV001314203.3), dbSNP rs2149120450, ClinGen allele CA357547925.
Genomic context (GRCh38, chr4:84,726,911, plus strand): 5'-TGTGTTTTACCTTTTGAGGAATATCATCGGGTGTCTCAGGCTGTTTACTTGGGATCTCAG[A>T]CTGAAAACAGGGTATTAAGTATAGACATATCAGAAAAAAAAACATAAAGAGGAACACAAA-3'
Protein context (NP_055806.2, residues 2398-2418): PETEQETNVA[Ser2408Thr]EIPSKQPETP

ClinVar aggregate classification (germline): Uncertain significance. Review status: criteria provided, multiple submitters, no conflicts (2 of 4 stars). 2 submissions from 2 submitters: Uncertain significance (2). Last evaluated 2026-01-16.

Conditions:
WDFY3-related disorder.

Submissions (2):

3billion
Classification: Uncertain significance for WDFY3-related disorder. Last evaluated: 2026-01-16. Review status: criteria provided, single submitter. Criteria: ACMG Guidelines, 2015. Collection method: clinical testing. Allele origin: germline. Affected: yes.
Comment: The variant is not observed in the gnomAD v4.1.0 dataset. Predicted Consequence/Location: Missense variant In silico tools predict the variant to alter splicing and produce an abnormal transcript [SpliceAI: 0.26 (>=0.2, moderate evidence for spliceogenicity)]. The variant has been reported as of uncertain significance (ClinVar ID: VCV001314203; PMID: 31327001). Therefore, this variant is classified as VUS according to the recommendation of ACMG/AMP guideline.

GeneDx
Classification: Uncertain significance. Last evaluated: 2021-04-08. Review status: criteria provided, single submitter. Criteria: GeneDx Variant Classification Process June 2021. Collection method: clinical testing. Allele origin: germline. Affected: yes.
Comment: Not observed in large population cohorts (Lek et al., 2016); In silico analysis supports that this missense variant does not alter protein structure/function; Has not been previously published as pathogenic or benign to our knowledge